The following is an entry in ClinVar:

NM_015459.5(ATL3):c.581G>T (p.Arg194Leu)

Genes: ATL3 (atlastin GTPase 3; minus strand), LNCROPM (lncRNA regulator of PLAAT3 mediated phospholipid metabolism; plus strand). Cytogenetic location: 11q13.1.
Variant type: single nucleotide variant.
Coding change: c.581G>T on transcript NM_015459.5 (MANE Select); coding-DNA position 581, G replaced by T.
Protein change: p.Arg194Leu; replaces arginine 194 with leucine.
Molecular consequence: missense variant.
Genome position (GRCh38, 1-based): chr11:63,646,544, C>A on the plus strand (G>T on the coding strand, the complement: ATL3 is on the minus strand). VCF-style: chr11-63646544-C-A. GRCh37 (hg19) VCF-style: chr11-63414016-C-A.
Other names: p.Arg194Leu; c.527G>T, p.Arg176Leu (NM_001290048.2); short protein forms R176L, R194L.
Identifiers: ClinVar variation 1493838 (VCV001493838.11), dbSNP rs750850786, ClinGen allele CA223747042.

ClinVar aggregate classification (germline): Uncertain significance. Review status: criteria provided, multiple submitters, no conflicts (2 of 4 stars). 3 submissions from 3 submitters: Uncertain significance (3). Last evaluated 2023-12-12.

Conditions:
Inborn genetic diseases. Identifiers: MedGen C0950123, MeSH D030342.
Neuropathy, hereditary sensory, type 1F. Also called: Hereditary sensory neuropathy type IF; HSN IF. Identifiers: Orphanet 36386, MedGen C3810194, MONDO:0014286, OMIM 615632.

gnomAD v4.1: 88 of 1,604,164 alleles (0.0055%); highest among the groups gnomAD compares: Non-Finnish European, 0.0075%; no homozygotes.

Submissions (3):

Mayo Clinic Laboratories, Mayo Clinic
Classification: Uncertain significance. Last evaluated: 2023-12-12. Review status: criteria provided, single submitter. Criteria: ACMG Guidelines, 2015. Collection method: clinical testing. Allele origin: germline. Observed: 1 variant allele.
Comment: BS2, PP3

Labcorp Genetics (formerly Invitae), Labcorp
Classification: Uncertain significance for Neuropathy, hereditary sensory, type 1F. Last evaluated: 2023-10-08. Review status: criteria provided, single submitter. Criteria: Invitae Variant Classification Sherloc (09022015). Collection method: clinical testing. Allele origin: germline.
Comment: This sequence change replaces arginine, which is basic and polar, with leucine, which is neutral and non-polar, at codon 194 of the ATL3 protein (p.Arg194Leu). This variant is present in population databases (rs750850786, gnomAD 0.004%). This missense change has been observed in individual(s) with clinical features of ATL3-related conditions (Invitae). ClinVar contains an entry for this variant (Variation ID: 1493838). Advanced modeling of protein sequence and biophysical properties (such as structural, functional, and spatial information, amino acid conservation, physicochemical variation, residue mobility, and thermodynamic stability) performed at Invitae indicates that this missense variant is not expected to disrupt ATL3 protein function. In summary, the available evidence is currently insufficient to determine the role of this variant in disease. Therefore, it has been classified as a Variant of Uncertain Significance.

Ambry Genetics
Classification: Uncertain significance for Inborn genetic diseases. Last evaluated: 2023-07-25. Review status: criteria provided, single submitter. Criteria: Ambry Variant Classification Scheme 2023. Collection method: clinical testing. Allele origin: germline.